The following is an entry in ClinVar:

ClinVar aggregate classification (germline): Uncertain significance. Review status: criteria provided, multiple submitters, no conflicts (2 of 4 stars). 2 submissions from 2 submitters: Uncertain significance (2). Last evaluated 2023-02-16.

Conditions:
Inborn genetic diseases. Identifiers: MedGen C0950123, MeSH D030342.
Methylmalonic aciduria and homocystinuria type cblF. Also called: COBALAMIN F DISEASE; COBALAMIN, DEFECT IN LYSOSOMAL RELEASE OF; METHYLMALONIC ACIDEMIA AND HOMOCYSTINURIA, cblF TYPE; METHYLMALONIC ACIDURIA DUE TO VITAMIN B12-RELEASE DEFECT; VITAMIN B12 LYSOSOMAL RELEASE DEFECT; VITAMIN B12 STORAGE DISEASE. Identifiers: Orphanet 79284, MedGen C1848578, MONDO:0010183, OMIM 277380.

Allele frequency attached by ClinVar (database versions not stated): ExAC 0.00003; gnomAD exomes 0.00003 and 0.00004; gnomAD 0.00004 and 0.00005; TOPMed 0.00005; ESP Exome Variant Server 0.00008.
gnomAD v4.1: 60 of 1,613,096 alleles (0.0037%); highest among the groups gnomAD compares: Non-Finnish European, 0.0046%; no homozygotes.

Submissions (2):

Ambry Genetics
Classification: Uncertain significance for Inborn genetic diseases. Last evaluated: 2023-02-16. Review status: criteria provided, single submitter. Criteria: Ambry Variant Classification Scheme 2023. Collection method: clinical testing. Allele origin: germline.

Labcorp Genetics (formerly Invitae), Labcorp
Classification: Uncertain significance for Methylmalonic aciduria and homocystinuria type cblF. Last evaluated: 2022-03-01. Review status: criteria provided, single submitter. Criteria: Invitae Variant Classification Sherloc (09022015). Collection method: clinical testing. Allele origin: germline.
Comment: This sequence change replaces serine, which is neutral and polar, with leucine, which is neutral and non-polar, at codon 519 of the LMBRD1 protein (p.Ser519Leu). This variant is present in population databases (rs373481039, gnomAD 0.008%). This variant has not been reported in the literature in individuals affected with LMBRD1-related conditions. Algorithms developed to predict the effect of missense changes on protein structure and function (SIFT, PolyPhen-2, Align-GVGD) all suggest that this variant is likely to be disruptive. In summary, the available evidence is currently insufficient to determine the role of this variant in disease. Therefore, it has been classified as a Variant of Uncertain Significance.

NM_018368.4(LMBRD1):c.1556C>T (p.Ser519Leu)

Gene: LMBRD1 (LMBR1 domain containing 1; minus strand). Cytogenetic location: 6q13.
Variant type: single nucleotide variant.
Coding change: c.1556C>T on transcript NM_018368.4 (MANE Select); coding-DNA position 1556, C replaced by T.
Protein change: p.Ser519Leu; replaces serine 519 with leucine.
Molecular consequence: missense variant.
Genome position (GRCh38, 1-based): chr6:69,676,225, G>A on the plus strand (C>T on the coding strand, the complement: LMBRD1 is on the minus strand). VCF-style: chr6-69676225-G-A. GRCh37 (hg19) VCF-style: chr6-70386117-G-A.
Other names: c.1337C>T, p.Ser446Leu (NM_001363722.2, NM_001367271.1, NM_001367272.1); c.1556C>T (NM_018368.3); short protein forms S446L, S519L.
Identifiers: ClinVar variation 1365005 (VCV001365005.4), dbSNP rs373481039, ClinGen allele CA3879514.